The following is an entry in ClinVar:

NM_002439.5(MSH3):c.2124C>A (p.Asp708Glu)

Gene: MSH3 (mutS homolog 3; plus strand). Cytogenetic location: 5q14.1.
Variant type: single nucleotide variant.
Coding change: c.2124C>A on transcript NM_002439.5 (MANE Select); coding-DNA position 2124, C replaced by A.
Protein change: p.Asp708Glu; replaces aspartic acid 708 with glutamic acid.
Molecular consequence: missense variant.
Genome position (GRCh38, 1-based): chr5:80,768,874, C>A. VCF-style: chr5-80768874-C-A. GRCh37 (hg19) VCF-style: chr5-80064693-C-A.
Other names: short protein forms D708E.
Identifiers: ClinVar variation 1998153 (VCV001998153.4), dbSNP rs1744168834, ClinGen allele CA360279305.

ClinVar aggregate classification (germline): Uncertain significance (1 of 4 stars; one submission).

Submission:

Labcorp Genetics (formerly Invitae), Labcorp
Classification: Uncertain significance. Last evaluated: 2022-05-24. Review status: criteria provided, single submitter. Criteria: Invitae Variant Classification Sherloc (09022015). Collection method: clinical testing. Allele origin: germline.
Comment: In summary, the available evidence is currently insufficient to determine the role of this variant in disease. Therefore, it has been classified as a Variant of Uncertain Significance. Algorithms developed to predict the effect of missense changes on protein structure and function are either unavailable or do not agree on the potential impact of this missense change (SIFT: "Deleterious"; PolyPhen-2: "Benign"; Align-GVGD: "Class C0"). This variant has not been reported in the literature in individuals affected with MSH3-related conditions. This variant is not present in population databases (gnomAD no frequency). This sequence change replaces aspartic acid, which is acidic and polar, with glutamic acid, which is acidic and polar, at codon 708 of the MSH3 protein (p.Asp708Glu).